The following is an entry in ClinVar:

ClinVar aggregate classification (germline): Uncertain significance. Review status: criteria provided, multiple submitters, no conflicts (2 of 4 stars). 2 submissions from 2 submitters: Uncertain significance (2). Last evaluated 2025-05-01.

Conditions:
Inborn genetic diseases. Identifiers: MedGen C0950123, MeSH D030342.

gnomAD v4.1: 1 of 1,527,964 alleles (0.000065%); no homozygotes.

Submissions (2):

Ambry Genetics
Classification: Uncertain significance for Inborn genetic diseases. Last evaluated: 2025-05-01. Review status: criteria provided, single submitter. Criteria: Ambry Variant Classification Scheme 2023. Collection method: clinical testing. Allele origin: germline.

Labcorp Genetics (formerly Invitae), Labcorp
Classification: Uncertain significance. Last evaluated: 2022-08-12. Review status: criteria provided, single submitter. Criteria: Invitae Variant Classification Sherloc (09022015). Collection method: clinical testing. Allele origin: germline.
Comment: This sequence change replaces leucine, which is neutral and non-polar, with valine, which is neutral and non-polar, at codon 574 of the FAM20C protein (p.Leu574Val). This variant is not present in population databases (gnomAD no frequency). This variant has not been reported in the literature in individuals affected with FAM20C-related conditions. Algorithms developed to predict the effect of missense changes on protein structure and function (SIFT, PolyPhen-2, Align-GVGD) all suggest that this variant is likely to be tolerated. In summary, the available evidence is currently insufficient to determine the role of this variant in disease. Therefore, it has been classified as a Variant of Uncertain Significance.

NM_020223.4(FAM20C):c.1720C>G (p.Leu574Val)

Gene: FAM20C (FAM20C golgi associated secretory pathway kinase; plus strand). Cytogenetic location: 7p22.3.
Variant type: single nucleotide variant.
Coding change: c.1720C>G on transcript NM_020223.4 (MANE Select); coding-DNA position 1720, C replaced by G.
Protein change: p.Leu574Val; replaces leucine 574 with valine.
Molecular consequence: missense variant.
Genome position (GRCh38, 1-based): chr7:259,945, C>G. VCF-style: chr7-259945-C-G. GRCh37 (hg19) VCF-style: chr7-299911-C-G.
Other names: c.1720C>G (NM_020223.2); short protein forms L574V.
Identifiers: ClinVar variation 1713871 (VCV001713871.4), dbSNP rs1392296777, ClinGen allele CA366526522.